The following is an entry in ClinVar:

NM_000548.5(TSC2):c.3752A>T (p.Lys1251Met)

Gene: TSC2 (TSC complex subunit 2; plus strand). Cytogenetic location: 16p13.3.
Variant type: single nucleotide variant.
Coding change: c.3752A>T on transcript NM_000548.5 (MANE Select); coding-DNA position 3752, A replaced by T.
Protein change: p.Lys1251Met; replaces lysine 1251 with methionine.
Molecular consequence: missense variant. On other transcripts: non-coding transcript variant (5).
Genome position (GRCh38, 1-based): chr16:2,081,736, A>T. VCF-style: chr16-2081736-A-T. GRCh37 (hg19) VCF-style: chr16-2131737-A-T.
Other names: c.3620A>T, p.Lys1207Met (NM_001406665.1, NM_001077183.3, NM_001370404.1); c.3713A>T, p.Lys1238Met (NM_001406667.1); c.3710A>T, p.Lys1237Met (NM_001406668.1); c.3641A>T, p.Lys1214Met (NM_001406670.1); c.3611A>T, p.Lys1204Met (NM_001406671.1); c.3608A>T, p.Lys1203Met (NM_001406673.1); c.3605A>T, p.Lys1202Met (NM_001406675.1); c.3602A>T, p.Lys1201Met (NM_001406676.1); and 18 more; short protein forms K1007M, K1008M, K1050M, K1051M, K1054M, K1158M, K1159M, K1170M.
Identifiers: ClinVar variation 4845365 (VCV004845365.1).

ClinVar aggregate classification (germline): Pathogenic (1 of 4 stars; one submission).

Conditions:
Isolated focal cortical dysplasia type II (FCORD2). Also called: CORTICAL DYSPLASIA OF TAYLOR; Focal cortical dysplasia type II. Identifiers: Orphanet 268994, MedGen C1846385, MONDO:0011818, OMIM 607341, HP:0032051.

Submission:

Institute of Human Genetics, University of Leipzig Medical Center
Classification: Pathogenic for Isolated focal cortical dysplasia type II. Last evaluated: 2026-03-23. Review status: criteria provided, single submitter. Criteria: ACMG Guidelines, 2015. Collection method: clinical testing. Allele origin: maternal. Inheritance: Autosomal dominant inheritance. Affected: yes.
Comment: Criteria applied: PVS1,PM2